The following is an entry in ClinVar:

NM_001033855.3(DCLRE1C):c.1494A>C (p.Glu498Asp)

Gene: DCLRE1C (DNA cross-link repair 1C; minus strand). Cytogenetic location: 10p13.
Variant type: single nucleotide variant.
Coding change: c.1494A>C on transcript NM_001033855.3 (MANE Select); coding-DNA position 1494, A replaced by C.
Protein change: p.Glu498Asp; replaces glutamic acid 498 with aspartic acid.
Molecular consequence: missense variant. On other transcripts: non-coding transcript variant (4).
Genome position (GRCh38, 1-based): chr10:14,908,993, T>G on the plus strand (A>C on the coding strand, the complement: DCLRE1C is on the minus strand). VCF-style: chr10-14908993-T-G. GRCh37 (hg19) VCF-style: chr10-14950992-T-G.
Other names: c.1134A>C, p.Glu378Asp (NM_001033857.3, NM_001033858.3, NM_001289077.2 and 2 more transcripts); c.1149A>C, p.Glu383Asp (NM_001289076.2, NM_001289078.2, NM_001350966.2 and 1 more transcripts); c.1494A>C, p.Glu498Asp (NM_001350965.2); short protein forms E378D, E383D, E498D.
Identifiers: ClinVar variation 2143370 (VCV002143370.2), dbSNP rs779242343, ClinGen allele CA5416466.
Genomic context (GRCh38, chr10:14,908,993, plus strand): 5'-TGACTGAGATCCCCCTGCCACTGTGGAGGAAGGGAAGTTTTCCAAACTCTCATCTGTGAT[T>G]TCATCATTTCTTTTAAAGAATACTTCCCACTGGGGTACATCCCCATCAGCCTTTTGCAGG-3'
Protein context (NP_001029027.1, residues 488-508): QWEVFFKRND[Glu498Asp]ITDESLENFP

ClinVar aggregate classification (germline): Conflicting classifications of pathogenicity. Review status: criteria provided, conflicting classifications (1 of 4 stars). 2 submissions from 2 submitters: Uncertain significance (1); Likely benign (1). Last evaluated 2024-05-12.

Conditions:
Severe combined immunodeficiency due to DCLRE1C deficiency (RS-SCID). Also called: SCID, AUTOSOMAL RECESSIVE, T CELL-NEGATIVE, B CELL-NEGATIVE, NK CELL-POSITIVE, WITH SENSITIVITY TO IONIZING RADIATION. Identifiers: Orphanet 275, MedGen C1865371, MONDO:0011225, OMIM 602450.
Inborn genetic diseases. Identifiers: MedGen C0950123, MeSH D030342.

Allele frequency attached by ClinVar (database versions not stated): gnomAD 0.00001; gnomAD exomes 0.00002; ExAC 0.00004; TOPMed below 0.00001.
gnomAD v4.1: 11 of 1,613,940 alleles (0.00068%); highest among the groups gnomAD compares: Admixed American, 0.018%; no homozygotes.

Submissions (2):

Ambry Genetics
Classification: Likely benign for Inborn genetic diseases. Last evaluated: 2024-05-12. Review status: criteria provided, single submitter. Criteria: Ambry Variant Classification Scheme 2023. Collection method: clinical testing. Allele origin: germline.

Labcorp Genetics (formerly Invitae), Labcorp
Classification: Uncertain significance for Athabaskan severe combined immunodeficiency. Last evaluated: 2021-09-26. Review status: criteria provided, single submitter. Criteria: Invitae Variant Classification Sherloc (09022015). Collection method: clinical testing. Allele origin: germline.
Comment: This sequence change replaces glutamic acid with aspartic acid at codon 498 of the DCLRE1C protein (p.Glu498Asp). The glutamic acid residue is moderately conserved and there is a small physicochemical difference between glutamic acid and aspartic acid. This variant is present in population databases (rs779242343, ExAC 0.04%). This variant has not been reported in the literature in individuals affected with DCLRE1C-related conditions. Algorithms developed to predict the effect of missense changes on protein structure and function output the following: SIFT: "Tolerated"; PolyPhen-2: "Benign"; Align-GVGD: "Class C0". The aspartic acid amino acid residue is found in multiple mammalian species, which suggests that this missense change does not adversely affect protein function. In summary, the available evidence is currently insufficient to determine the role of this variant in disease. Therefore, it has been classified as a Variant of Uncertain Significance.